The following is an entry in ClinVar:

NM_000051.4(ATM):c.5260_5264del (p.Lys1754fs)

Gene: ATM (ATM serine/threonine kinase; plus strand). Cytogenetic location: 11q22.3.
Variant type: Deletion.
Coding change: c.5260_5264del on transcript NM_000051.4 (MANE Select); coding-DNA positions 5260 to 5264, 5 bases deleted (AAGAT; older notation c.5260_5264delAAGAT).
Protein change: p.Lys1754fs; shifts the reading frame from lysine 1754.
Molecular consequence: frameshift variant.
Genome position (GRCh38, 1-based): chr11:108,301,730-108,301,734, AAGAT deleted; deleting any 5 consecutive bases within chr11:108,301,728-108,301,734 gives the same sequence; the c. name uses the placement nearest the transcript's 3' end. VCF-style (leftmost placement, unchanged base first): chr11-108301727-TATAAG-T. GRCh37 (hg19) VCF-style: chr11-108172454-TATAAG-T.
Other names: c.5260_5264del, p.Lys1754fs (NM_001351834.2); short protein forms K1754fs.
Identifiers: ClinVar variation 3721086 (VCV003721086.2).

ClinVar aggregate classification (germline): Pathogenic (1 of 4 stars; one submission).

Conditions:
Ataxia-telangiectasia syndrome (AT). Also called: ATAXIA-TELANGIECTASIA, COMPLEMENTATION GROUP A; ATAXIA-TELANGIECTASIA, FRESNO VARIANT; Ataxia-telangiectasia; Ataxia-telangiectasia, complementation group E; Ataxia telangiectasia (A-T); LOUIS-BAR SYNDROME. Identifiers: Orphanet 100, MedGen C0004135, MONDO:0008840, OMIM 208900.

Submission:

Labcorp Genetics (formerly Invitae), Labcorp
Classification: Pathogenic for Ataxia-telangiectasia syndrome. Last evaluated: 2024-03-26. Review status: criteria provided, single submitter. Criteria: Invitae Variant Classification Sherloc (09022015). Collection method: clinical testing. Allele origin: germline.
Comment: This sequence change creates a premature translational stop signal (p.Lys1754Aspfs*13) in the ATM gene. It is expected to result in an absent or disrupted protein product. Loss-of-function variants in ATM are known to be pathogenic (PMID: 23807571, 25614872). This variant is not present in population databases (gnomAD no frequency). This premature translational stop signal has been observed in individual(s) with clinical features of ataxia-telangiectasia (PMID: 21965147). Algorithms developed to predict the effect of sequence changes on RNA splicing suggest that this variant may disrupt the consensus splice site. For these reasons, this variant has been classified as Pathogenic.

Literature cited by the submitters: PubMed 23807571; PubMed 25614872; PubMed 21965147.